The following is an entry in ClinVar:

NM_015443.4(KANSL1):c.3272G>A (p.Arg1091Gln)

Gene: KANSL1 (KAT8 regulatory NSL complex subunit 1). Cytogenetic location: 17q21.31.
Variant type: single nucleotide variant.
Coding change: c.3272G>A on transcript NM_015443.4 (MANE Select); coding-DNA position 3272, G replaced by A.
Protein change: p.Arg1091Gln; replaces arginine 1091 with glutamine.
Molecular consequence: missense variant.
Genome position (GRCh38, 1-based): chr17:46,031,522, C>T on the plus strand (G>A on the coding strand, the complement: KANSL1 is on the minus strand). VCF-style: chr17-46031522-C-T. GRCh37 (hg19) VCF-style: chr17-44108888-C-T.
Other names: c.3272G>A, p.Arg1091Gln (NM_001193466.2, NM_001379198.1); c.3269G>A, p.Arg1090Gln (NM_001193465.2); short protein forms R1091Q, R1090Q.
Identifiers: ClinVar variation 536293 (VCV000536293.8), dbSNP rs752029022, ClinGen allele CA8618331.

ClinVar aggregate classification (germline): Uncertain significance (1 of 4 stars; one submission).

Conditions:
Koolen-de Vries syndrome (KDVS). Identifiers: Orphanet 96169, MedGen C1864871, MONDO:0012496, OMIM 610443.

Allele frequency attached by ClinVar (database versions not stated): gnomAD exomes below 0.00001 and 0.00002; TOPMed 0.00001; ExAC 0.00002.
gnomAD v4.1: 4 of 1,613,798 alleles (0.00025%); highest among the groups gnomAD compares: East Asian, 0.0022%; no homozygotes.

Submission:

Labcorp Genetics (formerly Invitae), Labcorp
Classification: Uncertain significance for Koolen-de Vries syndrome. Last evaluated: 2017-11-27. Review status: criteria provided, single submitter. Criteria: Invitae Variant Classification Sherloc (09022015). Collection method: clinical testing. Allele origin: germline.
Comment: In summary, the available evidence is currently insufficient to determine the role of this variant in disease. Therefore, it has been classified as a Variant of Uncertain Significance. Algorithms developed to predict the effect of missense changes on protein structure and function do not agree on the potential impact of this missense change (SIFT: "Tolerated"; PolyPhen-2: "Possibly Damaging"; Align-GVGD: "Class C0"). This variant has not been reported in the literature in individuals with KANSL1-related disease. This variant is present in population databases (rs752029022, ExAC 0.009%). This sequence change replaces arginine with glutamine at codon 1091 of the KANSL1 protein (p.Arg1091Gln). The arginine residue is highly conserved and there is a small physicochemical difference between arginine and glutamine.